The following is an entry in ClinVar:

NM_001369.3(DNAH5):c.10952del (p.Asp3651fs)

Gene: DNAH5 (dynein axonemal heavy chain 5; minus strand). Cytogenetic location: 5p15.2.
Variant type: Deletion.
Coding change: c.10952del on transcript NM_001369.3 (MANE Select); coding-DNA position 10952, one base deleted (A; older notation c.10952delA).
Protein change: p.Asp3651fs; shifts the reading frame from aspartic acid 3651.
Molecular consequence: frameshift variant.
Genome position (GRCh38, 1-based): chr5:13,752,210, T deleted on the plus strand (A on the coding strand, the reverse complement: DNAH5 is on the minus strand). VCF-style (leftmost placement, unchanged base first): chr5-13752209-AT-A. GRCh37 (hg19) VCF-style: chr5-13752318-AT-A.
Other names: short protein forms D3651fs.
Identifiers: ClinVar variation 2133282 (VCV002133282.5), dbSNP rs2546611714, ClinGen allele CA2580072140.
Genomic context (GRCh38, chr5:13,752,209, plus strand): 5'-AGTTTTAATGAAGTTTCTTTCCAAAACATTATCTAGTGCTGGATCTAGTTCCTCTCCAAC[AT>A]CTTCAATAAGCAAAGGCCTTCCAAGAGAAAGGCTGTCTTCCAGGTGGTTTCTGAAGTACT-3'

ClinVar aggregate classification (germline): Pathogenic. Review status: criteria provided, multiple submitters, no conflicts (2 of 4 stars). 2 submissions from 2 submitters: Pathogenic (2). Last evaluated 2023-12-30.

Conditions:
Primary ciliary dyskinesia 3. Identifiers: Orphanet 244, MedGen C1837618, MONDO:0012085, OMIM 608644.
Primary ciliary dyskinesia. Also called: Ciliary dyskinesia. Identifiers: Orphanet 244, MedGen C0008780, MONDO:0016575, HP:0012265.

Allele frequency attached by ClinVar (database versions not stated): gnomAD exomes below 0.00001.

Submissions (2):

Myriad Genetics, Inc.
Classification: Pathogenic for Primary ciliary dyskinesia 3. Last evaluated: 2023-12-30. Review status: criteria provided, single submitter. Criteria: Myriad Autosomal Dominant, Autosomal Recessive and X-Linked Classification Criteria (2023). Collection method: clinical testing. Allele origin: unknown.
Comment: NM_001369.2(DNAH5):c.10952delA(D3651Vfs*6) is expected to be pathogenic in the context of primary ciliary dyskinesia, DNAH5-related. This variant is predicted to lead to an abnormal or absent protein product due to the creation of a premature termination codon in DNAH5, a gene where loss-of-function variants are known to be pathogenic. Please note: this variant was assessed in the context of healthy population screening.

Labcorp Genetics (formerly Invitae), Labcorp
Classification: Pathogenic for Primary ciliary dyskinesia. Last evaluated: 2023-03-18. Review status: criteria provided, single submitter. Criteria: Invitae Variant Classification Sherloc (09022015). Collection method: clinical testing. Allele origin: germline.
Comment: For these reasons, this variant has been classified as Pathogenic. ClinVar contains an entry for this variant (Variation ID: 2133282). This variant has not been reported in the literature in individuals affected with DNAH5-related conditions. This variant is not present in population databases (gnomAD no frequency). This sequence change creates a premature translational stop signal (p.Asp3651Valfs*6) in the DNAH5 gene. It is expected to result in an absent or disrupted protein product. Loss-of-function variants in DNAH5 are known to be pathogenic (PMID: 11788826, 16627867).

Literature cited by the submitters: PubMed 11788826 (cited by Labcorp Genetics (formerly Invitae), Labcorp); PubMed 16627867 (cited by Labcorp Genetics (formerly Invitae), Labcorp).